The following is an entry in ClinVar:

NM_001903.5(CTNNA1):c.1618C>T (p.Arg540Cys)

Gene: CTNNA1 (catenin alpha 1; plus strand). Cytogenetic location: 5q31.2.
Variant type: single nucleotide variant.
Coding change: c.1618C>T on transcript NM_001903.5 (MANE Select); coding-DNA position 1618, C replaced by T.
Protein change: p.Arg540Cys; replaces arginine 540 with cysteine.
Molecular consequence: missense variant.
Genome position (GRCh38, 1-based): chr5:138,924,581, C>T. VCF-style: chr5-138924581-C-T. GRCh37 (hg19) VCF-style: chr5-138260270-C-T.
Other names: c.1618C>T, p.Arg540Cys (NM_001290307.3, NM_001323982.2, NM_001323983.1 and 2 more transcripts); c.1309C>T, p.Arg437Cys (NM_001290309.3); c.1249C>T, p.Arg417Cys (NM_001290310.3); c.508C>T, p.Arg170Cys (NM_001290312.1, NM_001323987.1, NM_001323988.1 and 17 more transcripts); c.1525C>T, p.Arg509Cys (NM_001323986.2); c.169C>T, p.Arg57Cys (NM_001324006.1, NM_001324007.1, NM_001324008.1 and 2 more transcripts); c.415C>T, p.Arg139Cys (NM_001324011.1); c.265C>T, p.Arg89Cys (NM_001324012.1, NM_001324013.1); short protein forms R417C, R437C, R540C, R57C, R139C, R509C, R170C, R89C.
Identifiers: ClinVar variation 661855 (VCV000661855.15), dbSNP rs1203968888, ClinGen allele CA361131837.

ClinVar aggregate classification (germline): Uncertain significance. Review status: criteria provided, multiple submitters, no conflicts (2 of 4 stars). 5 submissions from 5 submitters: Uncertain significance (5). Last evaluated 2025-12-13.

Conditions:
Hereditary cancer-predisposing syndrome. Also called: Neoplastic Syndromes, Hereditary; Tumor predisposition; Hereditary neoplastic syndrome; Hereditary Cancer Syndrome. Identifiers: Orphanet 140162, MedGen C0027672, MeSH D009386, MONDO:0015356.
Patterned macular dystrophy 2. Identifiers: Orphanet 99001, MedGen C1837029, MONDO:0012162, OMIM 608970.

Allele frequency attached by ClinVar (database versions not stated): gnomAD exomes below 0.00001 and 0.00001; gnomAD 0.00001; TOPMed 0.00001.
gnomAD v4.1: 11 of 1,613,994 alleles (0.00068%); highest among the groups gnomAD compares: Admixed American, 0.005%; no homozygotes.

Submissions (5):

Labcorp Genetics (formerly Invitae), Labcorp
Classification: Uncertain significance. Last evaluated: 2025-12-13. Review status: criteria provided, single submitter. Criteria: Invitae Variant Classification Sherloc (09022015). Collection method: clinical testing. Allele origin: germline.
Comment: This sequence change replaces arginine, which is basic and polar, with cysteine, which is neutral and slightly polar, at codon 540 of the CTNNA1 protein (p.Arg540Cys). This variant is present in population databases (no rsID available, gnomAD 0.003%). This variant has not been reported in the literature in individuals affected with CTNNA1-related conditions. ClinVar contains an entry for this variant (Variation ID: 661855). Invitae Evidence Modeling of protein sequence and biophysical properties (such as structural, functional, and spatial information, amino acid conservation, physicochemical variation, residue mobility, and thermodynamic stability) indicates that this missense variant is not expected to disrupt CTNNA1 protein function with a negative predictive value of 80%. In summary, the available evidence is currently insufficient to determine the role of this variant in disease. Therefore, it has been classified as a Variant of Uncertain Significance.

Ambry Genetics
Classification: Uncertain significance for Hereditary cancer-predisposing syndrome. Last evaluated: 2025-07-18. Review status: criteria provided, single submitter. Criteria: Ambry Variant Classification Scheme 2023. Collection method: clinical testing. Allele origin: germline.
Comment: The p.R540C variant (also known as c.1618C>T), located in coding exon 11 of the CTNNA1 gene, results from a C to T substitution at nucleotide position 1618. The arginine at codon 540 is replaced by cysteine, an amino acid with highly dissimilar properties. In one study, this alteration was identified in 6/151,425 individuals who underwent multi-gene germline genetic testing and classified as a variant of uncertain significance by the authors (Clark DF et al. Genet Med, 2020 May;22:840-846). This amino acid position is highly conserved in available vertebrate species. In addition, the in silico prediction for this alteration is inconclusive. Based on the available evidence, the clinical significance of this variant remains unclear.

Fulgent Genetics
Classification: Uncertain significance for Patterned macular dystrophy 2. Last evaluated: 2024-06-04. Review status: criteria provided, single submitter. Criteria: ACMG Guidelines, 2015. Collection method: clinical testing. Allele origin: germline.

GeneDx
Classification: Uncertain significance. Last evaluated: 2024-01-22. Review status: criteria provided, single submitter. Criteria: GeneDx Variant Classification Process June 2021. Collection method: clinical testing. Allele origin: germline. Affected: yes.
Comment: Not observed at significant frequency in large population cohorts (gnomAD); In silico analysis supports that this missense variant has a deleterious effect on protein structure/function; Identified in individual(s) referred for hereditary cancer multi-gene panel testing (PMID: 32051609); This variant is associated with the following publications: (PMID: 32051609)

Blueprint Genetics
Classification: Uncertain significance. Last evaluated: 2022-02-28. Review status: criteria provided, single submitter. Criteria: ACMG Guidelines, 2015. Collection method: clinical testing. Allele origin: germline.

Literature cited by the submitters: PubMed 32051609 (cited by Ambry Genetics).